The following is an entry in ClinVar:

ClinVar aggregate classification (germline): Conflicting classifications of pathogenicity. Review status: criteria provided, conflicting classifications (1 of 4 stars). 5 submissions from 5 submitters: Uncertain significance (4); Likely benign (1). Last evaluated 2025-10-26.

Conditions:
Inborn genetic diseases. Identifiers: MedGen C0950123, MeSH D030342.
Autosomal recessive limb-girdle muscular dystrophy type 2Q (LGMDR17). Also called: MUSCULAR DYSTROPHY, LIMB-GIRDLE, AUTOSOMAL RECESSIVE 17. Identifiers: Orphanet 254361, MedGen C3150989, MONDO:0013390, OMIM 613723.
Epidermolysis bullosa simplex 5B, with muscular dystrophy (EBS5B). Also called: Epidermolysis bullosa simplex with muscular dystrophy; EPIDERMOLYSIS BULLOSA SIMPLEX AND LIMB-GIRDLE MUSCULAR DYSTROPHY. Identifiers: Orphanet 257, MedGen C2931072, MONDO:0009181, OMIM 226670.
Epidermolysis bullosa simplex 5C, with pyloric atresia (EBS5C). Also called: PLEC1-Related Epidermolysis Bullosa with Pyloric Atresia; PLEC-Related Epidermolysis Bullosa with Pyloric Atresia; Epidermolysis bullosa simplex with pyloric atresia. Identifiers: Orphanet 158684, MedGen C2677349, MONDO:0012807, OMIM 612138.
Epidermolysis bullosa simplex, Ogna type (EBS5A). Also called: Pidermolysis bullosa simplex 5A, Ogna type; EPIDERMOLYSIS BULLOSA SIMPLEX 5A, OGNA TYPE. Identifiers: Orphanet 79401, MedGen C0432317, MONDO:0007555, OMIM 131950.
Epidermolysis bullosa simplex with nail dystrophy (EBS5D). Identifiers: MedGen C4225309, MONDO:0014661, OMIM 616487.

Allele frequency attached by ClinVar (database versions not stated): gnomAD exomes 0.00002 and 0.00007; TOPMed 0.00002; gnomAD 0.00004 and 0.00005; ExAC 0.00008.
gnomAD v4.1: 41 of 1,595,862 alleles (0.0026%); highest among the groups gnomAD compares: Admixed American, 0.017%; 1 homozygote.

Submissions (5):

Labcorp Genetics (formerly Invitae), Labcorp
Classification: Uncertain significance for Autosomal recessive limb-girdle muscular dystrophy type 2Q; Epidermolysis bullosa simplex, Ogna type; Epidermolysis bullosa simplex with nail dystrophy; Epidermolysis bullosa simplex 5C, with pyloric atresia; Epidermolysis bullosa simplex 5B, with muscular dystrophy. Last evaluated: 2025-10-26. Review status: criteria provided, single submitter. Criteria: Invitae Variant Classification Sherloc (09022015). Collection method: clinical testing. Allele origin: germline.
Comment: This sequence change replaces alanine, which is neutral and non-polar, with valine, which is neutral and non-polar, at codon 1879 of the PLEC protein (p.Ala1879Val). This variant is present in population databases (rs782360547, gnomAD 0.03%). This variant has not been reported in the literature in individuals affected with PLEC-related conditions. ClinVar contains an entry for this variant (Variation ID: 1007882). Experimental studies and prediction algorithms are not available or were not evaluated, and the functional significance of this variant is currently unknown. In summary, the available evidence is currently insufficient to determine the role of this variant in disease. Therefore, it has been classified as a Variant of Uncertain Significance.

Ambry Genetics
Classification: Uncertain significance for Inborn genetic diseases. Last evaluated: 2025-05-07. Review status: criteria provided, single submitter. Criteria: Ambry Variant Classification Scheme 2023. Collection method: clinical testing. Allele origin: germline.

CeGaT Center for Human Genetics Tuebingen
Classification: Likely benign. Last evaluated: 2023-03-01. Review status: criteria provided, single submitter. Criteria: CeGaT Center For Human Genetics Tuebingen Variant Classification Criteria Version 2. Collection method: clinical testing. Allele origin: germline. Affected: yes. Observed: 1 variant allele.
Comment: PLEC: BS2

GeneDx
Classification: Uncertain significance. Last evaluated: 2022-10-29. Review status: criteria provided, single submitter. Criteria: GeneDx Variant Classification Process June 2021. Collection method: clinical testing. Allele origin: germline. Affected: yes.
Comment: In silico analysis supports that this missense variant does not alter protein structure/function; Has not been previously published as pathogenic or benign to our knowledge

Revvity Omics, Revvity
Classification: Uncertain significance. Last evaluated: 2019-10-22. Review status: criteria provided, single submitter. Criteria: ACMG Guidelines, 2015. Collection method: clinical testing. Allele origin: germline.

NM_201384.3(PLEC):c.5555C>T (p.Ala1852Val)

Gene: PLEC (plectin; minus strand). Cytogenetic location: 8q24.3.
Variant type: single nucleotide variant.
Coding change: c.5555C>T on transcript NM_201384.3 (MANE Select); coding-DNA position 5555, C replaced by T.
Protein change: p.Ala1852Val; replaces alanine 1852 with valine.
Molecular consequence: missense variant.
Genome position (GRCh38, 1-based): chr8:143,924,374, G>A on the plus strand (C>T on the coding strand, the complement: PLEC is on the minus strand). VCF-style: chr8-143924374-G-A. GRCh37 (hg19) VCF-style: chr8-144998542-G-A.
Other names: c.5636C>T (NM_000445.3); c.5636C>T, p.Ala1879Val (NM_000445.5); c.5513C>T, p.Ala1838Val (NM_201378.4); c.5489C>T, p.Ala1830Val (NM_201379.3); c.5966C>T, p.Ala1989Val (NM_201380.4); c.5459C>T, p.Ala1820Val (NM_201381.3); c.5555C>T, p.Ala1852Val (NM_201382.4); c.5567C>T, p.Ala1856Val (NM_201383.3); short protein forms A1820V, A1830V, A1838V, A1852V, A1856V, A1879V, A1989V.
Identifiers: ClinVar variation 1007882 (VCV001007882.33), dbSNP rs782360547, ClinGen allele CA4926327.